The following is an entry in ClinVar:

ClinVar aggregate classification (germline): Uncertain significance (1 of 4 stars; one submission).

Conditions:
Capillary malformation-arteriovenous malformation syndrome. Also called: Capillary malformation-arteriovenous malformation. Identifiers: Orphanet 137667, MedGen C1842180, MONDO:0012016.

Submission:

Labcorp Genetics (formerly Invitae), Labcorp
Classification: Uncertain significance for Capillary malformation-arteriovenous malformation syndrome. Last evaluated: 2022-07-05. Review status: criteria provided, single submitter. Criteria: Invitae Variant Classification Sherloc (09022015). Collection method: clinical testing. Allele origin: germline.
Comment: This sequence change replaces proline, which is neutral and non-polar, with arginine, which is basic and polar, at codon 31 of the RASA1 protein (p.Pro31Arg). This variant is not present in population databases (gnomAD no frequency). This variant has not been reported in the literature in individuals affected with RASA1-related conditions. ClinVar contains an entry for this variant (Variation ID: 1038042). Algorithms developed to predict the effect of missense changes on protein structure and function are either unavailable or do not agree on the potential impact of this missense change (SIFT: "Tolerated"; PolyPhen-2: "Possibly Damaging"; Align-GVGD: "Class C0"). In summary, the available evidence is currently insufficient to determine the role of this variant in disease. Therefore, it has been classified as a Variant of Uncertain Significance.

NM_002890.3(RASA1):c.92C>G (p.Pro31Arg)

Gene: RASA1 (RAS p21 protein activator 1; plus strand). Cytogenetic location: 5q14.3.
Variant type: single nucleotide variant.
Coding change: c.92C>G on transcript NM_002890.3 (MANE Select); coding-DNA position 92, C replaced by G.
Protein change: p.Pro31Arg; replaces proline 31 with arginine.
Molecular consequence: missense variant.
Genome position (GRCh38, 1-based): chr5:87,268,543, C>G. VCF-style: chr5-87268543-C-G. GRCh37 (hg19) VCF-style: chr5-86564360-C-G.
Other names: short protein forms P31R.
Identifiers: ClinVar variation 1038042 (VCV001038042.9), dbSNP rs1484820367, ClinGen allele CA360416764.